The following is an entry in ClinVar:

NM_016148.5(SHANK1):c.4405C>T (p.Pro1469Ser)

Gene: SHANK1 (SH3 and multiple ankyrin repeat domains 1; minus strand). Cytogenetic location: 19q13.33.
Variant type: single nucleotide variant.
Coding change: c.4405C>T on transcript NM_016148.5 (MANE Select); coding-DNA position 4405, C replaced by T.
Protein change: p.Pro1469Ser; replaces proline 1469 with serine.
Molecular consequence: missense variant.
Genome position (GRCh38, 1-based): chr19:50,667,555, G>A on the plus strand (C>T on the coding strand, the complement: SHANK1 is on the minus strand). VCF-style: chr19-50667555-G-A. GRCh37 (hg19) VCF-style: chr19-51170812-G-A.
Other names: short protein forms P1469S.
Identifiers: ClinVar variation 1678697 (VCV001678697.3), dbSNP rs1042563649, ClinGen allele CA309626607.

ClinVar aggregate classification (germline): Uncertain significance (1 of 4 stars; one submission).

Allele frequency attached by ClinVar (database versions not stated): gnomAD exomes below 0.00001; TOPMed below 0.00001.
gnomAD v4.1: 5 of 1,463,522 alleles (0.00034%); highest among the groups gnomAD compares: Non-Finnish European, 0.00036%; no homozygotes.

Submission:

GeneDx
Classification: Uncertain significance. Last evaluated: 2025-08-27. Review status: criteria provided, single submitter. Criteria: GeneDx Variant Classification Process June 2021. Collection method: clinical testing. Allele origin: germline. Affected: yes.
Comment: Not observed at significant frequency in large population cohorts (gnomAD); In silico analysis suggests that this missense variant does not alter protein structure/function; Has not been previously published as pathogenic or benign to our knowledge